The following is an entry in ClinVar:

ClinVar aggregate classification (germline): Uncertain significance. Review status: criteria provided, multiple submitters, no conflicts (2 of 4 stars). 2 submissions from 2 submitters: Uncertain significance (2). Last evaluated 2025-05-30.

Conditions:
Inborn genetic diseases. Identifiers: MedGen C0950123, MeSH D030342.
Muscular dystrophy-dystroglycanopathy (congenital with brain and eye anomalies), type a, 11 (MDDGA11). Also called: WALKER-WARBURG SYNDROME OR MUSCLE-EYE-BRAIN DISEASE, B3GALNT2-RELATED; Muscular dystrophy-dystroglycanopathy (congenital with brain and eye anomalies, type A, 11; Congenital muscular dystrophy-dystroglycanopathy with brain and eye anomalies, type A11. Identifiers: Orphanet 588, Orphanet 899, MedGen C3554638, MONDO:0014071, OMIM 615181.

Allele frequency attached by ClinVar (database versions not stated): TOPMed below 0.00001; gnomAD exomes below 0.00001; gnomAD 0.00001.

Submissions (2):

Ambry Genetics
Classification: Uncertain significance for Inborn genetic diseases. Last evaluated: 2025-05-30. Review status: criteria provided, single submitter. Criteria: Ambry Variant Classification Scheme 2023. Collection method: clinical testing. Allele origin: germline.

Labcorp Genetics (formerly Invitae), Labcorp
Classification: Uncertain significance for Muscular dystrophy-dystroglycanopathy (congenital with brain and eye anomalies), type a, 11. Last evaluated: 2023-08-04. Review status: criteria provided, single submitter. Criteria: Invitae Variant Classification Sherloc (09022015). Collection method: clinical testing. Allele origin: germline.
Comment: In summary, the available evidence is currently insufficient to determine the role of this variant in disease. Therefore, it has been classified as a Variant of Uncertain Significance. Advanced modeling of protein sequence and biophysical properties (such as structural, functional, and spatial information, amino acid conservation, physicochemical variation, residue mobility, and thermodynamic stability) performed at Invitae indicates that this missense variant is not expected to disrupt B3GALNT2 protein function. ClinVar contains an entry for this variant (Variation ID: 940695). This variant has not been reported in the literature in individuals affected with B3GALNT2-related conditions. This variant is not present in population databases (gnomAD no frequency). This sequence change replaces asparagine, which is neutral and polar, with serine, which is neutral and polar, at codon 429 of the B3GALNT2 protein (p.Asn429Ser).

NM_152490.5(B3GALNT2):c.1286A>G (p.Asn429Ser)

Gene: B3GALNT2 (beta-1,3-N-acetylgalactosaminyltransferase 2; minus strand). Cytogenetic location: 1q42.3.
Variant type: single nucleotide variant.
Coding change: c.1286A>G on transcript NM_152490.5 (MANE Select); coding-DNA position 1286, A replaced by G.
Protein change: p.Asn429Ser; replaces asparagine 429 with serine.
Molecular consequence: missense variant.
Genome position (GRCh38, 1-based): chr1:235,454,181, T>C on the plus strand (A>G on the coding strand, the complement: B3GALNT2 is on the minus strand). VCF-style: chr1-235454181-T-C. GRCh37 (hg19) VCF-style: chr1-235617493-T-C.
Other names: c.1286A>G (NM_152490.2); short protein forms N429S.
Identifiers: ClinVar variation 940695 (VCV000940695.6), dbSNP rs1374738059, ClinGen allele CA344956699.